The following is an entry in ClinVar:

ClinVar aggregate classification (germline): Uncertain significance (1 of 4 stars; one submission).

Submission:

Dasa
Classification: Uncertain significance. Last evaluated: 2025-05-28. Review status: criteria provided, single submitter. Criteria: DASA Assertion Criteria. Collection method: clinical testing. Allele origin: germline.
Comment: NM_003738.5(PTCH2):c.2105A>G (p.Tyr702Cys) is a missense variant that results in the substitution of tyrosine with cysteine. This variant is absent from population databases. Computational prediction algorithms are consistent with a deleterious effect. The currently available literature and clinical evidence are not sufficient to establish a definitive association between this variant and the reported condition. Therefore, this variant is classified as a variant of uncertain significance.

NM_003738.5(PTCH2):c.2105A>G (p.Tyr702Cys)

Gene: PTCH2 (patched 2; minus strand). Cytogenetic location: 1p34.1.
Variant type: single nucleotide variant.
Coding change: c.2105A>G on transcript NM_003738.5 (MANE Select); coding-DNA position 2105, A replaced by G.
Protein change: p.Tyr702Cys; replaces tyrosine 702 with cysteine.
Molecular consequence: missense variant.
Genome position (GRCh38, 1-based): chr1:44,827,668, T>C on the plus strand (A>G on the coding strand, the complement: PTCH2 is on the minus strand). VCF-style: chr1-44827668-T-C. GRCh37 (hg19) VCF-style: chr1-45293340-T-C.
Other names: c.2105A>G, p.Tyr702Cys (NM_001166292.2); short protein forms Y702C.
Identifiers: ClinVar variation 4881608 (VCV004881608.2).